The following is an entry in ClinVar:

NM_176787.5(PIGN):c.2126G>T (p.Arg709Leu)

Gene: PIGN (phosphatidylinositol glycan anchor biosynthesis class N; minus strand). Cytogenetic location: 18q21.33.
Variant type: single nucleotide variant.
Coding change: c.2126G>T on transcript NM_176787.5 (MANE Select); coding-DNA position 2126, G replaced by T.
Protein change: p.Arg709Leu; replaces arginine 709 with leucine.
Molecular consequence: missense variant.
Genome position (GRCh38, 1-based): chr18:62,095,902, C>A on the plus strand (G>T on the coding strand, the complement: PIGN is on the minus strand). VCF-style: chr18-62095902-C-A. GRCh37 (hg19) VCF-style: chr18-59763135-C-A.
Other names: c.2126G>T, p.Arg709Leu (NM_012327.6); short protein forms R709L.
Identifiers: ClinVar variation 2009887 (VCV002009887.4), dbSNP rs397514475, ClinGen allele CA402603066.
Genomic context (GRCh38, chr18:62,095,902, plus strand): 5'-TTATACCCTGTGCTTAGAAGTAGGTAGGTTGACATCAATGAAAGAAGTATGCTGAACAAT[C>A]GCTGAAAGAGAACTGGAGAACTCAGTAGTGGCACAACCAAGGAAGAGGCTGCAATGAAAC-3'
Protein context (NP_789744.1, residues 699-719): PLLSSPVLFQ[Arg709Leu]LFSILLSLMS

ClinVar aggregate classification (germline): Uncertain significance (1 of 4 stars; one submission).

Conditions:
Multiple congenital anomalies-hypotonia-seizures syndrome 1 (MCAHS1). Also called: GLYCOSYLPHOSPHATIDYLINOSITOL BIOSYNTHESIS DEFECT 3; PIGN-CDG; Congenital disorder of glycosylation due to PIGN deficiency. Identifiers: Orphanet 280633, MedGen C3279775, MONDO:0013563, OMIM 614080.

Submission:

Labcorp Genetics (formerly Invitae), Labcorp
Classification: Uncertain significance for Multiple congenital anomalies-hypotonia-seizures syndrome 1. Last evaluated: 2022-06-23. Review status: criteria provided, single submitter. Criteria: Invitae Variant Classification Sherloc (09022015). Collection method: clinical testing. Allele origin: germline.
Comment: In summary, the available evidence is currently insufficient to determine the role of this variant in disease. Therefore, it has been classified as a Variant of Uncertain Significance. This variant disrupts the p.Arg709 amino acid residue in PIGN. Other variant(s) that disrupt this residue have been determined to be pathogenic (PMID: 21493957). This suggests that this residue is clinically significant, and that variants that disrupt this residue are likely to be disease-causing. Algorithms developed to predict the effect of sequence changes on RNA splicing suggest that this variant may disrupt the consensus splice site. Algorithms developed to predict the effect of missense changes on protein structure and function are either unavailable or do not agree on the potential impact of this missense change (SIFT: "Not Available"; PolyPhen-2: "Probably Damaging"; Align-GVGD: "Not Available"). This variant has not been reported in the literature in individuals affected with PIGN-related conditions. This variant is not present in population databases (gnomAD no frequency). This sequence change replaces arginine, which is basic and polar, with leucine, which is neutral and non-polar, at codon 709 of the PIGN protein (p.Arg709Leu).

Literature cited by the submitters: PubMed 21493957.